The following is an entry in ClinVar:

ClinVar aggregate classification (germline): Benign/Likely benign. Review status: criteria provided, multiple submitters, no conflicts (2 of 4 stars). 8 submissions from 8 submitters: Benign (3); Likely benign (4). 1 of the submissions does not count toward it. Last evaluated 2025-04-10.

Conditions:
COCH-related disorder. Also called: COCH-related condition.
Autosomal dominant nonsyndromic hearing loss 9. Identifiers: Orphanet 90635, MedGen C1832425, MONDO:0011058, OMIM 601369.

Allele frequency attached by ClinVar (database versions not stated): gnomAD exomes 0.00017 and 0.00049; ExAC 0.00053; gnomAD 0.00143; TOPMed 0.00158; ESP Exome Variant Server 0.00215; 1000 Genomes Project 0.00260; 1000 Genomes Project 30x 0.00344.

Submissions (8):

Labcorp Genetics (formerly Invitae), Labcorp
Classification: Benign. Last evaluated: 2025-04-10. Review status: criteria provided, single submitter. Criteria: Invitae Variant Classification Sherloc (09022015). Collection method: clinical testing. Allele origin: germline.

Blueprint Genetics
Classification: Likely benign. Last evaluated: 2024-11-25. Review status: criteria provided, single submitter. Criteria: ACMG Guidelines, 2015. Collection method: clinical testing. Allele origin: germline.

GeneDx
Classification: Benign. Last evaluated: 2020-05-18. Review status: criteria provided, single submitter. Criteria: GeneDx Variant Classification Process June 2021. Collection method: clinical testing. Allele origin: germline. Affected: yes.

Illumina Laboratory Services, Illumina
Classification: Likely benign for Autosomal dominant nonsyndromic hearing loss 9. Last evaluated: 2018-01-12. Review status: criteria provided, single submitter. Criteria: ICSL Variant Classification Criteria 13 December 2019. Collection method: clinical testing. Allele origin: germline.
Comment: This variant was observed in the ICSL laboratory as part of a predisposition screen in an ostensibly healthy population. It had not been previously curated by ICSL or reported in the Human Gene Mutation Database (HGMD: prior to June 1st, 2018), and was therefore a candidate for classification through an automated scoring system. Utilizing variant allele frequency, disease prevalence and penetrance estimates, and inheritance mode, an automated score was calculated to assess if this variant is too frequent to cause the disease. Based on the score and internal cut-off values, a variant classified as likely benign is not then subjected to further curation. The score for this variant resulted in a classification of likely benign for this disease.

ARUP Laboratories, Molecular Genetics and Genomics, ARUP Laboratories
Classification: Likely benign. Last evaluated: 2017-05-26. Review status: criteria provided, single submitter. Criteria: ARUP Molecular Germline Variant Investigation Process. Collection method: clinical testing. Allele origin: germline.
Comment: The p.Ile402Val variant (rs28362778) has not been reported in association with hearing loss in medical literature or in gene specific variation databases but has been reported to ClinVar (Variation ID: 313004). This variant is listed in the Exome Aggregation Consortium Browser with an African population frequency of 0.6 percent (identified on 62 out of 10,406 chromosomes including 1 homozygote). Based on these observations, the p.Ile402Val variant is likely to be benign.

Laboratory for Molecular Medicine, Mass General Brigham Personalized Medicine
Classification: Benign. Last evaluated: 2012-05-07. Review status: criteria provided, single submitter. Criteria: LMM Criteria. Collection method: clinical testing. Allele origin: germline. Observed: 2 variant alleles.
Comment: Ile402Val in Exon 11 of COCH: This variant is not expected to have clinical sign ificance because it has been identified in 0.6% (21/3738) of African American ch romosomes from a broad population by the NHLBI Exome Sequencing Project (dbSNP rs28362778).

Breakthrough Genomics
Classification: Likely benign. Review status: criteria provided, single submitter. Criteria: ACMG Guidelines, 2015. Collection method: not provided. Allele origin: germline. Inheritance: Autosomal recessive inheritance. Affected: yes.

PreventionGenetics, part of Exact Sciences
Classification: Likely benign for COCH-related condition. Last evaluated: 2020-04-24. Review status: no assertion criteria provided. Collection method: clinical testing. Allele origin: germline. Not counted in ClinVar's aggregate classification.
Comment: This variant is classified as likely benign based on ACMG/AMP sequence variant interpretation guidelines (Richards et al. 2015 PMID: 25741868, with internal and published modifications).

NM_004086.3(COCH):c.1204A>G (p.Ile402Val)

Genes: COCH (cochlin; plus strand), COCH-AS1 (COCH antisense RNA 1; minus strand). Cytogenetic location: 14q12.
Variant type: single nucleotide variant.
Coding change: c.1204A>G on transcript NM_004086.3 (MANE Select); coding-DNA position 1204, A replaced by G.
Protein change: p.Ile402Val; replaces isoleucine 402 with valine.
Molecular consequence: missense variant. On other transcripts: non-coding transcript variant (1).
Genome position (GRCh38, 1-based): chr14:30,886,039, A>G. VCF-style: chr14-30886039-A-G. GRCh37 (hg19) VCF-style: chr14-31355245-A-G.
Other names: c.1204A>G (NM_001135058.1); c.1204A>G, p.Ile402Val (NM_001135058.2); c.1399A>G, p.Ile467Val (NM_001347720.2); short protein forms I402V, I467V.
Identifiers: ClinVar variation 313004 (VCV000313004.29), dbSNP rs28362778, ClinGen allele CA7143286.
Genomic context (GRCh38, chr14:30,886,039, plus strand): 5'-AATTTCCGCCTCATGCTTGAATTTGTTTCCAACATAGCCAAGACTTTTGAAATCTCGGAC[A>G]TTGGTGCCAAGATAGCTGCTGTACAGTTTACTTATGATCAGCGCACGGAGTTCAGTTTCA-3'
Protein context (NP_004077.1, residues 392-412): NIAKTFEISD[Ile402Val]GAKIAAVQFT